The following is an entry in ClinVar:

ClinVar aggregate classification (germline): Pathogenic (1 of 4 stars; one submission).

Conditions:
Nemaline myopathy 2 (NEM2). Also called: Nemaline myopathy 2, autosomal recessive. Identifiers: MedGen C1850569, MONDO:0009725, OMIM 256030.

Submission:

Labcorp Genetics (formerly Invitae), Labcorp
Classification: Pathogenic for Nemaline myopathy 2. Last evaluated: 2020-12-26. Review status: criteria provided, single submitter. Criteria: Invitae Variant Classification Sherloc (09022015). Collection method: clinical testing. Allele origin: germline.
Comment: This sequence change creates a premature translational stop signal (p.Tyr1580*) in the NEB gene. It is expected to result in an absent or disrupted protein product. Loss-of-function variants in NEB are known to be pathogenic (PMID: 25205138). This variant is not present in population databases (ExAC no frequency). This variant has not been reported in the literature in individuals with NEB-related conditions. For these reasons, this variant has been classified as Pathogenic.

Literature cited by the submitters: PubMed 25205138.

NM_001164508.2(NEB):c.4740C>A (p.Tyr1580Ter)

Gene: NEB (nebulin; minus strand). Cytogenetic location: 2q23.3.
Variant type: single nucleotide variant.
Coding change: c.4740C>A on transcript NM_001164508.2 (MANE Select); coding-DNA position 4740, C replaced by A.
Protein change: p.Tyr1580Ter; replaces tyrosine 1580 with a stop codon.
Molecular consequence: nonsense.
Genome position (GRCh38, 1-based): chr2:151,666,381, G>T on the plus strand (C>A on the coding strand, the complement: NEB is on the minus strand). VCF-style: chr2-151666381-G-T. GRCh37 (hg19) VCF-style: chr2-152522895-G-T.
Other names: c.4740C>A, p.Tyr1580Ter (NM_001164507.2, NM_001271208.2, NM_004543.5); short protein forms Y1580*.
Identifiers: ClinVar variation 1455662 (VCV001455662.6), dbSNP rs766168868, ClinGen allele CA348814116.